The following is an entry in ClinVar:

NM_000186.4(CFH):c.2449A>T (p.Ile817Phe)

Gene: CFH (complement factor H; plus strand). Cytogenetic location: 1q31.3.
Variant type: single nucleotide variant.
Coding change: c.2449A>T on transcript NM_000186.4 (MANE Select); coding-DNA position 2449, A replaced by T.
Protein change: p.Ile817Phe; replaces isoleucine 817 with phenylalanine.
Molecular consequence: missense variant.
Genome position (GRCh38, 1-based): chr1:196,736,859, A>T. VCF-style: chr1-196736859-A-T. GRCh37 (hg19) VCF-style: chr1-196705989-A-T.
Other names: short protein forms I817F.
Identifiers: ClinVar variation 1476818 (VCV001476818.6), dbSNP rs2149113161, ClinGen allele CA343992744.
Genomic context (GRCh38, chr1:196,736,859, plus strand): 5'-TAATTATATTTTTAATATTTTTTAGTGGCACAAATACAATTATGCCCACCTCCACCTCAG[A>T]TTCCCAATTCTCACAATATGACAACCACACTGAATTATCGGGATGGAGAAAAAGTATCTG-3'
Protein context (NP_000177.2, residues 807-827): QIQLCPPPPQ[Ile817Phe]PNSHNMTTTL

ClinVar aggregate classification (germline): Uncertain significance (1 of 4 stars; one submission).

Submission:

Labcorp Genetics (formerly Invitae), Labcorp
Classification: Uncertain significance. Last evaluated: 2021-09-21. Review status: criteria provided, single submitter. Criteria: Invitae Variant Classification Sherloc (09022015). Collection method: clinical testing. Allele origin: germline.
Comment: This sequence change replaces isoleucine with phenylalanine at codon 817 of the CFH protein (p.Ile817Phe). The isoleucine residue is weakly conserved and there is a small physicochemical difference between isoleucine and phenylalanine. This variant is not present in population databases (ExAC no frequency). This variant has not been reported in the literature in individuals affected with CFH-related conditions. Algorithms developed to predict the effect of missense changes on protein structure and function are either unavailable or do not agree on the potential impact of this missense change (SIFT: "Deleterious"; PolyPhen-2: "Probably Damaging"; Align-GVGD: "Class C0"). In summary, the available evidence is currently insufficient to determine the role of this variant in disease. Therefore, it has been classified as a Variant of Uncertain Significance.